The following is an entry in ClinVar:

ClinVar aggregate classification (germline): Uncertain significance (1 of 4 stars; one submission).

Allele frequency attached by ClinVar (database versions not stated): gnomAD exomes below 0.00001.
gnomAD v4.1: 6 of 1,614,114 alleles (0.00037%); highest among the groups gnomAD compares: Non-Finnish European, 0.00051%; no homozygotes.

Submission:

Labcorp Genetics (formerly Invitae), Labcorp
Classification: Uncertain significance. Last evaluated: 2020-12-13. Review status: criteria provided, single submitter. Criteria: Invitae Variant Classification Sherloc (09022015). Collection method: clinical testing. Allele origin: germline.
Comment: In summary, the available evidence is currently insufficient to determine the role of this variant in disease. Therefore, it has been classified as a Variant of Uncertain Significance. Algorithms developed to predict the effect of missense changes on protein structure and function are either unavailable or do not agree on the potential impact of this missense change (SIFT: "Not Available"; PolyPhen-2: "Probably Damaging"; Align-GVGD: "Not Available"). This variant has not been reported in the literature in individuals with LCT-related conditions. This variant is not present in population databases (ExAC no frequency). This sequence change replaces glycine with arginine at codon 754 of the LCT protein (p.Gly754Arg). The glycine residue is highly conserved and there is a moderate physicochemical difference between glycine and arginine.

NM_002299.4(LCT):c.2260G>A (p.Gly754Arg)

Gene: LCT (lactase; minus strand). Cytogenetic location: 2q21.3.
Variant type: single nucleotide variant.
Coding change: c.2260G>A on transcript NM_002299.4 (MANE Select); coding-DNA position 2260, G replaced by A.
Protein change: p.Gly754Arg; replaces glycine 754 with arginine.
Molecular consequence: missense variant.
Genome position (GRCh38, 1-based): chr2:135,812,404, C>T on the plus strand (G>A on the coding strand, the complement: LCT is on the minus strand). VCF-style: chr2-135812404-C-T. GRCh37 (hg19) VCF-style: chr2-136569974-C-T.
Other names: short protein forms G754R.
Identifiers: ClinVar variation 1397279 (VCV001397279.6), dbSNP rs1558739417, ClinGen allele CA348603867.
Genomic context (GRCh38, chr2:135,812,404, plus strand): 5'-AGTCTACTCTTAAGGAATCATCAAAGAGATTTTCACTTTCCCCTATGGGCATGCCATTCC[C>T]GGCAAGGTATATTGGAACTTTTCCTCTTGTGTATTCCAGGGATACAAACTGCAACAGCCT-3'
Protein context (NP_002290.2, residues 744-764): TRGKVPIYLA[Gly754Arg]NGMPIGESEN